The following is an entry in ClinVar:

NM_020822.3(KCNT1):c.2008+215G>A

Gene: KCNT1 (potassium sodium-activated channel subfamily T member 1; plus strand). Cytogenetic location: 9q34.3.
Variant type: single nucleotide variant.
Coding change: c.2008+215G>A on transcript NM_020822.3 (MANE Select); 215 bases into the intron after coding-DNA position 2008, G replaced by A.
Molecular consequence: intron variant.
Genome position (GRCh38, 1-based): chr9:135,771,310, G>A. VCF-style: chr9-135771310-G-A. GRCh37 (hg19) VCF-style: chr9-138663156-G-A.
Other names: c.1873+215G>A (NM_001272003.2).
Identifiers: ClinVar variation 682127 (VCV000682127.1), dbSNP rs7870173, ClinGen allele CA12975879.

ClinVar aggregate classification (germline): Benign (1 of 4 stars; one submission).

Allele frequency attached by ClinVar (database versions not stated): gnomAD exomes 0.47180; 1000 Genomes Project 0.51597; TOPMed 0.51648; gnomAD 0.52303 and 0.52644.
gnomAD v4.1: 291,853 of 602,950 alleles (48%); highest among the groups gnomAD compares: African/African-American, 64%; 72,198 homozygotes.

Submission:

GeneDx
Classification: Benign. Last evaluated: 2018-06-14. Review status: criteria provided, single submitter. Criteria: GeneDx Variant Classification (06012015). Collection method: clinical testing. Allele origin: germline. Affected: yes.
Comment: This variant is considered likely benign or benign based on one or more of the following criteria: it is a conservative change, it occurs at a poorly conserved position in the protein, it is predicted to be benign by multiple in silico algorithms, and/or has population frequency not consistent with disease.